The following is an entry in ClinVar:

ClinVar aggregate classification (germline): Likely benign. Review status: criteria provided, multiple submitters, no conflicts (2 of 4 stars). 2 submissions from 2 submitters: Likely benign (2). Last evaluated 2025-05-01.

Conditions:
Inborn genetic diseases. Identifiers: MedGen C0950123, MeSH D030342.

Allele frequency attached by ClinVar (database versions not stated): gnomAD 0.00009; gnomAD exomes 0.00010; TOPMed 0.00015; ExAC 0.00018.
gnomAD v4.1: 164 of 1,608,798 alleles (0.01%); highest among the groups gnomAD compares: Middle Eastern, 0.065%; 1 homozygote.

Submissions (2):

CeGaT Center for Human Genetics Tuebingen
Classification: Likely benign. Last evaluated: 2025-05-01. Review status: criteria provided, single submitter. Criteria: CeGaT Center For Human Genetics Tuebingen Variant Classification Criteria Version 2. Collection method: clinical testing. Allele origin: germline. Affected: yes. Observed: 2 variant alleles.
Comment: RORA: BS2

Ambry Genetics
Classification: Likely benign for Inborn genetic diseases. Last evaluated: 2021-09-01. Review status: criteria provided, single submitter. Criteria: Ambry Variant Classification Scheme 2023. Collection method: clinical testing. Allele origin: germline.

NM_134261.3(RORA):c.197-26379G>A

Genes: RORA (RAR related orphan receptor A; minus strand), RORA-AS1 (RORA antisense RNA 1; plus strand). Cytogenetic location: 15q22.2.
Variant type: single nucleotide variant.
Coding change: c.197-26379G>A on transcript NM_134261.3 (MANE Select); 26379 bases into the intron before coding-DNA position 197, G replaced by A.
Molecular consequence: intron variant. On other transcripts: missense variant (1).
Genome position (GRCh38, 1-based): chr15:60,558,230, C>T on the plus strand (G>A on the coding strand, the complement: RORA is on the minus strand). VCF-style: chr15-60558230-C-T. GRCh37 (hg19) VCF-style: chr15-60850429-C-T.
Other names: c.214G>A, p.Val72Ile (NM_134260.3); c.272-26379G>A (NM_002943.4); c.32-26379G>A (NM_134262.3); short protein forms V72I.
Identifiers: ClinVar variation 2373683 (VCV002373683.24), dbSNP rs199937951, ClinGen allele CA7593805.